The following is an entry in ClinVar:

ClinVar aggregate classification (germline): Uncertain significance. Review status: criteria provided, multiple submitters, no conflicts (2 of 4 stars). 2 submissions from 2 submitters: Uncertain significance (2). Last evaluated 2024-11-05.

Conditions:
GALM-related disorder. Also called: GALM-related condition.

Allele frequency attached by ClinVar (database versions not stated): TOPMed 0.00029; gnomAD 0.00030 and 0.00032; ESP Exome Variant Server 0.00038.
gnomAD v4.1: 550 of 1,613,776 alleles (0.034%); highest among the groups gnomAD compares: Middle Eastern, 0.36%; 1 homozygote.

Submissions (2):

Labcorp Genetics (formerly Invitae), Labcorp
Classification: Uncertain significance. Last evaluated: 2024-11-05. Review status: criteria provided, single submitter. Criteria: Invitae Variant Classification Sherloc (09022015). Collection method: clinical testing. Allele origin: germline.
Comment: This sequence change replaces arginine, which is basic and polar, with cysteine, which is neutral and slightly polar, at codon 131 of the GALM protein (p.Arg131Cys). This variant is present in population databases (rs200877275, gnomAD 0.07%). This variant has not been reported in the literature in individuals affected with GALM-related conditions. ClinVar contains an entry for this variant (Variation ID: 1399250). Invitae Evidence Modeling of protein sequence and biophysical properties (such as structural, functional, and spatial information, amino acid conservation, physicochemical variation, residue mobility, and thermodynamic stability) indicates that this missense variant is not expected to disrupt GALM protein function with a negative predictive value of 80%. Experimental studies have shown that this missense change does not substantially affect GALM function (PMID: 30910422). In summary, the available evidence is currently insufficient to determine the role of this variant in disease. Therefore, it has been classified as a Variant of Uncertain Significance.

PreventionGenetics, part of Exact Sciences
Classification: Uncertain significance for GALM-related condition. Last evaluated: 2023-03-31. Review status: criteria provided, single submitter. Criteria: ACMG Guidelines, 2015. Collection method: clinical testing. Allele origin: germline.
Comment: The GALM c.391C>T variant is predicted to result in the amino acid substitution p.Arg131Cys. To our knowledge, this variant has not been reported in any affected individuals. It was reported as a benign variant that did not affect galactose mutarotase protein level or enzyme activity in functional studies (Iwasawa et al. 2019. PubMed ID: 30910422). This variant is reported in 0.072% of alleles in individuals of South Asian descent in gnomAD, which may be too common for an undocumented cause of disease. Although we suspect that this variant may be benign, at this time, the clinical significance of this variant is uncertain due to the absence of conclusive functional and genetic evidence.

Literature cited by the submitters: PubMed 30910422 (cited by Labcorp Genetics (formerly Invitae), Labcorp).

NM_138801.3(GALM):c.391C>T (p.Arg131Cys)

Gene: GALM (galactose mutarotase; plus strand). Cytogenetic location: 2p22.1.
Variant type: single nucleotide variant.
Coding change: c.391C>T on transcript NM_138801.3 (MANE Select); coding-DNA position 391, C replaced by T.
Protein change: p.Arg131Cys; replaces arginine 131 with cysteine.
Molecular consequence: missense variant.
Genome position (GRCh38, 1-based): chr2:38,681,325, C>T. VCF-style: chr2-38681325-C-T. GRCh37 (hg19) VCF-style: chr2-38908467-C-T.
Other names: c.391C>T (NM_138801.2); short protein forms R131C.
Identifiers: ClinVar variation 1399250 (VCV001399250.4), dbSNP rs200877275, ClinGen allele CA1621523.
Genomic context (GRCh38, chr2:38,681,325, plus strand): 5'-AACACTTTTTTCCAGGTGCTCTGGACCCCTCGGGTGCTGTCAAATGGCGTCCAGTTCTCG[C>T]GCATCAGTCCAGATGGTGAAGAAGGCTACCCCGGAGAGTTAAAAGTCTGGGTGACATACA-3'
Protein context (NP_620156.1, residues 121-141): RVLSNGVQFS[Arg131Cys]ISPDGEEGYP